The following is an entry in ClinVar:

ClinVar aggregate classification (germline): Likely benign. Review status: criteria provided, multiple submitters, no conflicts (2 of 4 stars). 3 submissions from 3 submitters: Likely benign (2). 1 of the submissions does not count toward it. Last evaluated 2024-02-28.

Conditions:
OBSL1-related disorder. Also called: OBSL1-related condition.

Allele frequency attached by ClinVar (database versions not stated): gnomAD exomes below 0.00001; gnomAD 0.00001; TOPMed 0.00002; ExAC below 0.00001.
gnomAD v4.1: 5 of 1,499,780 alleles (0.00033%); highest among the groups gnomAD compares: Middle Eastern, 0.023%; no homozygotes.

Submissions (3):

Blueprint Genetics
Classification: Likely benign. Last evaluated: 2024-02-28. Review status: criteria provided, single submitter. Criteria: ACMG Guidelines, 2015. Collection method: clinical testing. Allele origin: germline.

Labcorp Genetics (formerly Invitae), Labcorp
Classification: Likely benign. Last evaluated: 2023-02-17. Review status: criteria provided, single submitter. Criteria: Invitae Variant Classification Sherloc (09022015). Collection method: clinical testing. Allele origin: germline.

PreventionGenetics, part of Exact Sciences
Classification: Likely benign for OBSL1-related condition. Last evaluated: 2019-02-21. Review status: no assertion criteria provided. Collection method: clinical testing. Allele origin: germline. Not counted in ClinVar's aggregate classification.
Comment: This variant is classified as likely benign based on ACMG/AMP sequence variant interpretation guidelines (Richards et al. 2015 PMID: 25741868, with internal and published modifications).

NM_015311.3(OBSL1):c.4990-6C>T

Gene: OBSL1 (obscurin like cytoskeletal adaptor 1; minus strand). Cytogenetic location: 2q35.
Variant type: single nucleotide variant.
Coding change: c.4990-6C>T on transcript NM_015311.3 (MANE Select); 6 bases into the intron before coding-DNA position 4990, C replaced by T.
Molecular consequence: intron variant.
Genome position (GRCh38, 1-based): chr2:219,553,030, G>A on the plus strand (C>T on the coding strand, the complement: OBSL1 is on the minus strand). VCF-style: chr2-219553030-G-A. GRCh37 (hg19) VCF-style: chr2-220417752-G-A.
Identifiers: ClinVar variation 746943 (VCV000746943.9), dbSNP rs748975251, ClinGen allele CA2130349.